The following is an entry in ClinVar:

NM_005188.4(CBL):c.1072C>G (p.Gln358Glu)

Gene: CBL (Cbl proto-oncogene; plus strand). Cytogenetic location: 11q23.3.
Variant type: single nucleotide variant.
Coding change: c.1072C>G on transcript NM_005188.4 (MANE Select); coding-DNA position 1072, C replaced by G.
Protein change: p.Gln358Glu; replaces glutamine 358 with glutamic acid.
Molecular consequence: missense variant.
Genome position (GRCh38, 1-based): chr11:119,277,821, C>G. VCF-style: chr11-119277821-C-G. GRCh37 (hg19) VCF-style: chr11-119148531-C-G.
Other names: short protein forms Q358E.
Identifiers: ClinVar variation 3827871 (VCV003827871.1).

ClinVar aggregate classification (germline): Uncertain significance (1 of 4 stars; one submission).

Conditions:
Cardiovascular phenotype. Identifiers: MedGen CN230736.

Submission:

Ambry Genetics
Classification: Uncertain significance for Cardiovascular phenotype. Last evaluated: 2025-03-06. Review status: criteria provided, single submitter. Criteria: Ambry Variant Classification Scheme 2023. Collection method: clinical testing. Allele origin: germline.
Comment: The p.Q358E variant (also known as c.1072C>G), located in coding exon 7 of the CBL gene, results from a C to G substitution at nucleotide position 1072. The glutamine at codon 358 is replaced by glutamic acid, an amino acid with highly similar properties. This amino acid position is conserved. In addition, the in silico prediction for this alteration is inconclusive. Based on the available evidence, the clinical significance of this variant remains unclear.